The following is an entry in ClinVar:

NM_000153.4(GALC):c.1561G>A (p.Glu521Lys)

Gene: GALC (galactosylceramidase; minus strand). Cytogenetic location: 14q31.3.
Variant type: single nucleotide variant.
Coding change: c.1561G>A on transcript NM_000153.4 (MANE Select); coding-DNA position 1561, G replaced by A.
Protein change: p.Glu521Lys; replaces glutamic acid 521 with lysine.
Molecular consequence: missense variant.
Genome position (GRCh38, 1-based): chr14:87,945,662, C>T on the plus strand (G>A on the coding strand, the complement: GALC is on the minus strand). VCF-style: chr14-87945662-C-T. GRCh37 (hg19) VCF-style: chr14-88412006-C-T.
Other names: c.1492G>A, p.Glu498Lys (NM_001201401.2); c.1483G>A, p.Glu495Lys (NM_001201402.2); short protein forms E498K, E495K, E521K.
Identifiers: ClinVar variation 1962421 (VCV001962421.2), dbSNP rs1315435743, ClinGen allele CA390746184.

ClinVar aggregate classification (germline): Uncertain significance (1 of 4 stars; one submission).

Conditions:
Galactosylceramide beta-galactosidase deficiency. Also called: GALACTOCEREBROSIDASE DEFICIENCY; GALC DEFICIENCY; GLOBOID CELL LEUKOENCEPHALOPATHY; Leukodystrophy, Globoid Cell; Krabbe Disease. Identifiers: Orphanet 487, MedGen C0023521, MONDO:0009499, OMIM 245200.

Allele frequency attached by ClinVar (database versions not stated): gnomAD exomes below 0.00001; TOPMed below 0.00001.
gnomAD v4.1: 6 of 1,611,426 alleles (0.00037%); highest among the groups gnomAD compares: East Asian, 0.011%; no homozygotes.

Submission:

Labcorp Genetics (formerly Invitae), Labcorp
Classification: Uncertain significance for Galactosylceramide beta-galactosidase deficiency. Last evaluated: 2022-05-08. Review status: criteria provided, single submitter. Criteria: Invitae Variant Classification Sherloc (09022015). Collection method: clinical testing. Allele origin: germline.
Comment: This sequence change replaces glutamic acid, which is acidic and polar, with lysine, which is basic and polar, at codon 521 of the GALC protein (p.Glu521Lys). This variant is not present in population databases (gnomAD no frequency). This variant has not been reported in the literature in individuals affected with GALC-related conditions. Advanced modeling of protein sequence and biophysical properties (such as structural, functional, and spatial information, amino acid conservation, physicochemical variation, residue mobility, and thermodynamic stability) performed at Invitae indicates that this missense variant is not expected to disrupt GALC protein function. In summary, the available evidence is currently insufficient to determine the role of this variant in disease. Therefore, it has been classified as a Variant of Uncertain Significance.